The following is an entry in ClinVar:

NM_006662.3(SRCAP):c.4603C>G (p.Pro1535Ala)

Gene: SRCAP (Snf2 related CREBBP activator protein; plus strand). Cytogenetic location: 16p11.2.
Variant type: single nucleotide variant.
Coding change: c.4603C>G on transcript NM_006662.3 (MANE Select); coding-DNA position 4603, C replaced by G.
Protein change: p.Pro1535Ala; replaces proline 1535 with alanine.
Molecular consequence: missense variant.
Genome position (GRCh38, 1-based): chr16:30,724,027, C>G. VCF-style: chr16-30724027-C-G. GRCh37 (hg19) VCF-style: chr16-30735348-C-G.
Other names: short protein forms P1535A.
Identifiers: ClinVar variation 160035 (VCV000160035.57), dbSNP rs117804715, ClinGen allele CA202001.

ClinVar aggregate classification (germline): Benign/Likely benign. Review status: criteria provided, multiple submitters, no conflicts (2 of 4 stars). 10 submissions from 10 submitters: Benign (3); Likely benign (5). 2 of the submissions do not count toward it. Last evaluated 2026-09-01.

Allele frequency attached by ClinVar (database versions not stated): 1000 Genomes Project 0.00319; 1000 Genomes Project 30x 0.00359; gnomAD 0.00599; ESP Exome Variant Server 0.00631; TOPMed 0.00669; ExAC 0.00690; gnomAD exomes 0.00723.
gnomAD v4.1: 12,247 of 1,613,988 alleles (0.76%); highest among the groups gnomAD compares: Middle Eastern, 2.6%; 65 homozygotes.

Submissions (10):

CeGaT Center for Human Genetics Tuebingen
Classification: Likely benign. Last evaluated: 2026-09-01. Review status: criteria provided, single submitter. Criteria: CeGaT Center For Human Genetics Tuebingen Variant Classification Criteria Version 2. Collection method: clinical testing. Allele origin: germline. Affected: yes. Observed: 58 variant alleles.
Comment: SRCAP: BP4, BS2

Women's Health and Genetics/Laboratory Corporation of America, LabCorp
Classification: Likely benign. Last evaluated: 2026-05-11. Review status: criteria provided, single submitter. Criteria: LabCorp Variant Classification Summary - May 2015. Collection method: clinical testing. Allele origin: germline.

Labcorp Genetics (formerly Invitae), Labcorp
Classification: Benign. Last evaluated: 2026-01-28. Review status: criteria provided, single submitter. Criteria: Invitae Variant Classification Sherloc (09022015). Collection method: clinical testing. Allele origin: germline.

Center for Pediatric Genomic Medicine, Children's Mercy Hospital and Clinics
Classification: Likely benign. Last evaluated: 2017-09-27. Review status: criteria provided, single submitter. Criteria: ACMG Guidelines, 2015. Collection method: clinical testing. Allele origin: germline.

Genetic Services Laboratory, University of Chicago
Classification: Likely benign. Last evaluated: 2017-01-03. Review status: criteria provided, single submitter. Criteria: ACMG Guidelines, 2015. Collection method: clinical testing. Allele origin: germline. Affected: no.

Eurofins Ntd Llc (ga)
Classification: Benign. Last evaluated: 2014-12-18. Review status: criteria provided, single submitter. Criteria: EGL Classification Definitions 2015. Collection method: clinical testing. Allele origin: germline. Observed: 1 variant allele, 1 heterozygote.

Breakthrough Genomics
Classification: Likely benign. Review status: criteria provided, single submitter. Criteria: ACMG Guidelines, 2015. Collection method: not provided. Allele origin: germline. Inheritance: Autosomal dominant inheritance. Affected: yes.

PreventionGenetics, part of Exact Sciences
Classification: Benign. Review status: criteria provided, single submitter. Criteria: ACMG Guidelines, 2015. Collection method: clinical testing. Allele origin: germline.

Diagnostic Laboratory, Department of Genetics, University Medical Center Groningen
Classification: Benign. Review status: no assertion criteria provided. Collection method: clinical testing. Allele origin: germline. Affected: yes. Study: VKGL Data-share Consensus. Not counted in ClinVar's aggregate classification.

Laboratory of Diagnostic Genome Analysis, Leiden University Medical Center (LUMC)
Classification: Likely benign. Review status: no assertion criteria provided. Collection method: clinical testing. Allele origin: germline. Affected: yes. Study: VKGL Data-share Consensus. Not counted in ClinVar's aggregate classification.